The following is an entry in ClinVar:

ClinVar aggregate classification (germline): Pathogenic (1 of 4 stars; one submission).

Conditions:
Ellis-van Creveld syndrome (EVC). Also called: Chondroectodermal dysplasia; EVC-Related Ellis-van Creveld Syndrome; EVC2-Related Ellis-van Creveld Syndrome; MESOECTODERMAL DYSPLASIA. Identifiers: Orphanet 289, MedGen C0013903, MONDO:0009162, OMIM 225500.
Curry-Hall syndrome (WAD). Also called: WEYERS ACRODENTAL DYSOSTOSIS. Identifiers: Orphanet 952, MedGen C0457013, MONDO:0008673, OMIM 193530.

Submission:

Labcorp Genetics (formerly Invitae), Labcorp
Classification: Pathogenic for Curry-Hall syndrome; Ellis-van Creveld syndrome. Last evaluated: 2021-08-03. Review status: criteria provided, single submitter. Criteria: Invitae Variant Classification Sherloc (09022015). Collection method: clinical testing. Allele origin: germline.
Comment: This sequence change creates a premature translational stop signal (p.Ser263*) in the EVC gene. It is expected to result in an absent or disrupted protein product. Loss-of-function variants in EVC are known to be pathogenic (PMID: 23220543). This variant is not present in population databases (ExAC no frequency). This variant has not been reported in the literature in individuals affected with EVC-related conditions. For these reasons, this variant has been classified as Pathogenic.

Literature cited by the submitters: PubMed 23220543.

NM_153717.3(EVC):c.788C>G (p.Ser263Ter)

Gene: EVC (EvC ciliary complex subunit 1; plus strand). Cytogenetic location: 4p16.2.
Variant type: single nucleotide variant.
Coding change: c.788C>G on transcript NM_153717.3 (MANE Select); coding-DNA position 788, C replaced by G.
Protein change: p.Ser263Ter; replaces serine 263 with a stop codon.
Molecular consequence: nonsense.
Genome position (GRCh38, 1-based): chr4:5,741,801, C>G. VCF-style: chr4-5741801-C-G. GRCh37 (hg19) VCF-style: chr4-5743528-C-G.
Other names: c.788C>G, p.Ser263Ter (NM_001306090.2, NM_001306092.2); short protein forms S263*.
Identifiers: ClinVar variation 1370178 (VCV001370178.7), dbSNP rs2152001027, ClinGen allele CA356147768.